The following is an entry in ClinVar:

NM_001129.5(AEBP1):c.260C>T (p.Pro87Leu)

Gene: AEBP1 (AE binding protein 1; plus strand). Cytogenetic location: 7p13.
Variant type: single nucleotide variant.
Coding change: c.260C>T on transcript NM_001129.5 (MANE Select); coding-DNA position 260, C replaced by T.
Protein change: p.Pro87Leu; replaces proline 87 with leucine.
Molecular consequence: missense variant.
Genome position (GRCh38, 1-based): chr7:44,106,552, C>T. VCF-style: chr7-44106552-C-T. GRCh37 (hg19) VCF-style: chr7-44146151-C-T.
Other names: p.Pro87Leu; short protein forms P87L.
Identifiers: ClinVar variation 1321568 (VCV001321568.13), dbSNP rs75107445, ClinGen allele CA4237452.

ClinVar aggregate classification (germline): Conflicting classifications of pathogenicity. Review status: criteria provided, conflicting classifications (1 of 4 stars). 4 submissions from 4 submitters: Uncertain significance (1); Likely benign (2). 1 of the submissions does not count toward it. Last evaluated 2026-01-18.

Conditions:
AEBP1-related disorder. Also called: AEBP1-related condition.

Allele frequency attached by ClinVar (database versions not stated): gnomAD exomes 0.00038; ExAC 0.00074; gnomAD 0.00113 and 0.00120; TOPMed 0.00121; ESP Exome Variant Server 0.00177; 1000 Genomes Project 0.00180; 1000 Genomes Project 30x 0.00203.
gnomAD v4.1: 334 of 1,595,248 alleles (0.021%); highest among the groups gnomAD compares: African/African-American, 0.38%; 1 homozygote.

Submissions (4):

Labcorp Genetics (formerly Invitae), Labcorp
Classification: Likely benign. Last evaluated: 2026-01-18. Review status: criteria provided, single submitter. Criteria: Invitae Variant Classification Sherloc (09022015). Collection method: clinical testing. Allele origin: germline.

GeneDx
Classification: Uncertain significance. Last evaluated: 2025-08-25. Review status: criteria provided, single submitter. Criteria: GeneDx Variant Classification Process June 2021. Collection method: clinical testing. Allele origin: germline. Affected: yes.
Comment: Has not been previously published as pathogenic or benign to our knowledge; In silico analysis supports that this missense variant has a deleterious effect on protein structure/function

Mayo Clinic Laboratories, Mayo Clinic
Classification: Likely benign. Last evaluated: 2025-08-05. Review status: criteria provided, single submitter. Criteria: ACMG Guidelines, 2015. Collection method: clinical testing. Allele origin: germline. Observed: 1 variant allele.
Comment: BS1, BP4_moderate

PreventionGenetics, part of Exact Sciences
Classification: Likely benign for AEBP1-related condition. Last evaluated: 2022-09-07. Review status: no assertion criteria provided. Collection method: clinical testing. Allele origin: germline. Not counted in ClinVar's aggregate classification.
Comment: This variant is classified as likely benign based on ACMG/AMP sequence variant interpretation guidelines (Richards et al. 2015 PMID: 25741868, with internal and published modifications).